The following is an entry in ClinVar:

NM_020937.4(FANCM):c.4519G>A (p.Val1507Ile)

Gene: FANCM (FA complementation group M; plus strand). Cytogenetic location: 14q21.2.
Variant type: single nucleotide variant.
Coding change: c.4519G>A on transcript NM_020937.4 (MANE Select); coding-DNA position 4519, G replaced by A.
Protein change: p.Val1507Ile; replaces valine 1507 with isoleucine.
Molecular consequence: missense variant.
Genome position (GRCh38, 1-based): chr14:45,185,220, G>A. VCF-style: chr14-45185220-G-A. GRCh37 (hg19) VCF-style: chr14-45654423-G-A.
Other names: c.4441G>A, p.Val1481Ile (NM_001308133.2); short protein forms V1481I, V1507I.
Identifiers: ClinVar variation 953618 (VCV000953618.13), dbSNP rs945620719, ClinGen allele CA259634532.

ClinVar aggregate classification (germline): Uncertain significance. Review status: criteria provided, multiple submitters, no conflicts (2 of 4 stars). 3 submissions from 3 submitters: Uncertain significance (3). Last evaluated 2024-05-07.

Conditions:
Fanconi anemia (FA). Also called: Fanconi's anemia. Identifiers: Orphanet 84, MedGen C0015625, MeSH D005199, MONDO:0019391.

Allele frequency attached by ClinVar (database versions not stated): TOPMed below 0.00001; gnomAD 0.00001; gnomAD exomes 0.00001.

Submissions (3):

GeneDx
Classification: Uncertain significance. Last evaluated: 2024-05-07. Review status: criteria provided, single submitter. Criteria: GeneDx Variant Classification Process June 2021. Collection method: clinical testing. Allele origin: germline. Affected: yes.
Comment: Not observed at significant frequency in large population cohorts (gnomAD); In silico analysis supports that this missense variant does not alter protein structure/function; Has not been previously published as pathogenic or benign to our knowledge

Labcorp Genetics (formerly Invitae), Labcorp
Classification: Uncertain significance for Fanconi anemia. Last evaluated: 2023-03-04. Review status: criteria provided, single submitter. Criteria: Invitae Variant Classification Sherloc (09022015). Collection method: clinical testing. Allele origin: germline.
Comment: This sequence change replaces valine, which is neutral and non-polar, with isoleucine, which is neutral and non-polar, at codon 1507 of the FANCM protein (p.Val1507Ile). This variant is present in population databases (no rsID available, gnomAD 0.002%). In summary, the available evidence is currently insufficient to determine the role of this variant in disease. Therefore, it has been classified as a Variant of Uncertain Significance. Algorithms developed to predict the effect of missense changes on protein structure and function output the following: SIFT: "Not Available"; PolyPhen-2: "Benign"; Align-GVGD: "Not Available". The isoleucine amino acid residue is found in multiple mammalian species, which suggests that this missense change does not adversely affect protein function. ClinVar contains an entry for this variant (Variation ID: 953618). This variant has not been reported in the literature in individuals affected with FANCM-related conditions.

Institute for Clinical Genetics, University Hospital TU Dresden, University Hospital TU Dresden
Classification: Uncertain significance. Last evaluated: 2021-11-03. Review status: criteria provided, single submitter. Criteria: ACMG Guidelines, 2015. Collection method: clinical testing. Allele origin: germline.